The following is an entry in ClinVar:

NM_002658.6(PLAU):c.-20A>G

Genes: C10orf55 (chromosome 10 putative open reading frame 55; minus strand), PLAU (plasminogen activator, urokinase; plus strand), LOC130004104 (ATAC-STARR-seq lymphoblastoid silent region 2495; plus strand). Cytogenetic location: 10q22.2.
Variant type: single nucleotide variant.
Coding change: c.-20A>G on transcript NM_002658.6 (MANE Select); 20 bases upstream of the start codon, A replaced by G.
Molecular consequence: 5 prime UTR variant. On other transcripts: non-coding transcript variant (2).
Genome position (GRCh38, 1-based): chr10:73,911,536, A>G. VCF-style: chr10-73911536-A-G. GRCh37 (hg19) VCF-style: chr10-75671294-A-G.
Other names: c.-356A>G (NM_001145031.3); c.-250A>G (NM_001319191.2).
Identifiers: ClinVar variation 300737 (VCV000300737.6), dbSNP rs201591610, ClinGen allele CA5562217.

ClinVar aggregate classification (germline): Benign/Likely benign. Review status: criteria provided, multiple submitters, no conflicts (2 of 4 stars). 2 submissions from 2 submitters: Benign (1); Likely benign (1). Last evaluated 2024-10-17.

Conditions:
Quebec platelet disorder (QPD). Also called: FACTOR V QUEBEC; BLEEDING DISORDER, PLATELET-TYPE, 5. Identifiers: Orphanet 220436, MedGen C1866423, MONDO:0011136, OMIM 601709.

Allele frequency attached by ClinVar (database versions not stated): 1000 Genomes Project 30x 0.00016; 1000 Genomes Project 0.00020; gnomAD 0.00235 and 0.00241; TOPMed 0.00235; gnomAD exomes 0.00256 and 0.00307; ESP Exome Variant Server 0.00269; ExAC 0.00310.

Submissions (2):

Blueprint Genetics
Classification: Likely benign. Last evaluated: 2024-10-17. Review status: criteria provided, single submitter. Criteria: ACMG Guidelines, 2015. Collection method: clinical testing. Allele origin: germline.

Illumina Laboratory Services, Illumina
Classification: Benign for Quebec platelet disorder. Last evaluated: 2018-01-12. Review status: criteria provided, single submitter. Criteria: ICSL Variant Classification Criteria 13 December 2019. Collection method: clinical testing. Allele origin: germline.
Comment: This variant was observed in the ICSL laboratory as part of a predisposition screen in an ostensibly healthy population. It had not been previously curated by ICSL or reported in the Human Gene Mutation Database (HGMD: prior to June 1st, 2018), and was therefore a candidate for classification through an automated scoring system. Utilizing variant allele frequency, disease prevalence and penetrance estimates, and inheritance mode, an automated score was calculated to assess if this variant is too frequent to cause the disease. Based on the score and internal cut-off values, a variant classified as benign is not then subjected to further curation. The score for this variant resulted in a classification of benign for this disease.